The following is an entry in ClinVar:

ClinVar aggregate classification (germline): Uncertain significance (1 of 4 stars; one submission).

Conditions:
Catecholaminergic polymorphic ventricular tachycardia 1. Also called: VENTRICULAR TACHYCARDIA, STRESS-INDUCED POLYMORPHIC 1; VENTRICULAR TACHYCARDIA, CATECHOLAMINERGIC POLYMORPHIC, 1, WITH OR WITHOUT ATRIAL DYSFUNCTION AND/OR DILATED CARDIOMYOPATHY; RYR2-Related Catecholaminergic Polymorphic Ventricular Tachycardia. Identifiers: Orphanet 3286, MedGen C1631597, MONDO:0011484, OMIM 604772.

Allele frequency attached by ClinVar (database versions not stated): gnomAD exomes below 0.00001.
gnomAD v4.1: 1 of 1,613,764 alleles (0.000062%); highest among the groups gnomAD compares: South Asian, 0.0011%; no homozygotes.

Submission:

Labcorp Genetics (formerly Invitae), Labcorp
Classification: Uncertain significance for Catecholaminergic polymorphic ventricular tachycardia 1. Last evaluated: 2024-03-15. Review status: criteria provided, single submitter. Criteria: Invitae Variant Classification Sherloc (09022015). Collection method: clinical testing. Allele origin: germline.
Comment: This sequence change replaces lysine, which is basic and polar, with arginine, which is basic and polar, at codon 260 of the TRDN protein (p.Lys260Arg). This variant is not present in population databases (gnomAD no frequency). This variant has not been reported in the literature in individuals affected with TRDN-related conditions. ClinVar contains an entry for this variant (Variation ID: 2197938). Algorithms developed to predict the effect of missense changes on protein structure and function output the following: SIFT: "Not Available"; PolyPhen-2: "Possibly Damaging"; Align-GVGD: "Not Available". The arginine amino acid residue is found in multiple mammalian species, which suggests that this missense change does not adversely affect protein function. In summary, the available evidence is currently insufficient to determine the role of this variant in disease. Therefore, it has been classified as a Variant of Uncertain Significance.

NM_006073.4(TRDN):c.779A>G (p.Lys260Arg)

Gene: TRDN (triadin; minus strand). Cytogenetic location: 6q22.31.
Variant type: single nucleotide variant.
Coding change: c.779A>G on transcript NM_006073.4 (MANE Select); coding-DNA position 779, A replaced by G.
Protein change: p.Lys260Arg; replaces lysine 260 with arginine.
Molecular consequence: missense variant.
Genome position (GRCh38, 1-based): chr6:123,503,733, T>C on the plus strand (A>G on the coding strand, the complement: TRDN is on the minus strand). VCF-style: chr6-123503733-T-C. GRCh37 (hg19) VCF-style: chr6-123824878-T-C.
Other names: c.779A>G, p.Lys260Arg (NM_001251987.2, NM_001256020.2, NM_001256021.2 and 1 more transcripts); short protein forms K260R.
Identifiers: ClinVar variation 2197938 (VCV002197938.4), dbSNP rs2534299406, ClinGen allele CA365567563.